The following is an entry in ClinVar:

NM_005612.5(REST):c.3157G>A (p.Val1053Ile)

Gene: REST (RE1 silencing transcription factor; plus strand). Cytogenetic location: 4q12.
Variant type: single nucleotide variant.
Coding change: c.3157G>A on transcript NM_005612.5 (MANE Select); coding-DNA position 3157, G replaced by A.
Protein change: p.Val1053Ile; replaces valine 1053 with isoleucine.
Molecular consequence: missense variant.
Genome position (GRCh38, 1-based): chr4:56,932,015, G>A. VCF-style: chr4-56932015-G-A. GRCh37 (hg19) VCF-style: chr4-57798181-G-A.
Other names: c.3157G>A, p.Val1053Ile (NM_001193508.2, NM_001363453.3); short protein forms V1053I.
Identifiers: ClinVar variation 1394347 (VCV001394347.8), dbSNP rs1306515151, ClinGen allele CA357010333.
Genomic context (GRCh38, chr4:56,932,015, plus strand): 5'-CATGGGGCTCGGCCAGTTCCACAAGAATCTAGCAGAAAAAATGCAAAGGAAGCCTTGGCA[G>A]TCAAAGCGGCTAAGGGAGATTTTGTTTGTATCTTCTGTGATCGTTCTTTCAGAAAGGGAA-3'
Protein context (NP_005603.3, residues 1043-1063): SRKNAKEALA[Val1053Ile]KAAKGDFVCI

ClinVar aggregate classification (germline): Uncertain significance (1 of 4 stars; one submission).

Allele frequency attached by ClinVar (database versions not stated): gnomAD exomes below 0.00001; gnomAD 0.00001; TOPMed 0.00001.
gnomAD v4.1: 3 of 1,614,112 alleles (0.00019%); highest among the groups gnomAD compares: Non-Finnish European, 0.00025%; no homozygotes.

Submission:

Labcorp Genetics (formerly Invitae), Labcorp
Classification: Uncertain significance. Last evaluated: 2020-12-10. Review status: criteria provided, single submitter. Criteria: Invitae Variant Classification Sherloc (09022015). Collection method: clinical testing. Allele origin: germline.
Comment: This sequence change replaces valine with isoleucine at codon 1053 of the REST protein (p.Val1053Ile). The valine residue is moderately conserved and there is a small physicochemical difference between valine and isoleucine. In summary, the available evidence is currently insufficient to determine the role of this variant in disease. Therefore, it has been classified as a Variant of Uncertain Significance. Algorithms developed to predict the effect of missense changes on protein structure and function (SIFT, PolyPhen-2, Align-GVGD) all suggest that this variant is likely to be tolerated, but these predictions have not been confirmed by published functional studies and their clinical significance is uncertain. This variant has not been reported in the literature in individuals with REST-related conditions. This variant is not present in population databases (ExAC no frequency).